The following is an entry in ClinVar:

ClinVar aggregate classification (germline): Uncertain significance (1 of 4 stars; one submission).

Conditions:
Saldino-Mainzer syndrome (SRTD9). Also called: Renal dysplasia, retinal pigmentary dystrophy, cerebellar ataxia and skeletal dysplasia; CONORENAL SYNDROME; SHORT-RIB THORACIC DYSPLASIA 9 WITHOUT POLYDACTYLY; short-rib thoracic dysplasia 9 with or without polydactyly. Identifiers: Orphanet 140969, MedGen C1849437, MONDO:0009964, OMIM 266920.

Submission:

Labcorp Genetics (formerly Invitae), Labcorp
Classification: Uncertain significance for Saldino-Mainzer syndrome. Last evaluated: 2023-08-30. Review status: criteria provided, single submitter. Criteria: Invitae Variant Classification Sherloc (09022015). Collection method: clinical testing. Allele origin: germline.
Comment: This sequence change replaces alanine, which is neutral and non-polar, with valine, which is neutral and non-polar, at codon 1319 of the IFT140 protein (p.Ala1319Val). This variant is not present in population databases (gnomAD no frequency). This variant has not been reported in the literature in individuals affected with IFT140-related conditions. ClinVar contains an entry for this variant (Variation ID: 1466290). Advanced modeling of protein sequence and biophysical properties (such as structural, functional, and spatial information, amino acid conservation, physicochemical variation, residue mobility, and thermodynamic stability) performed at Invitae indicates that this missense variant is not expected to disrupt IFT140 protein function. In summary, the available evidence is currently insufficient to determine the role of this variant in disease. Therefore, it has been classified as a Variant of Uncertain Significance.

NM_014714.4(IFT140):c.3956C>T (p.Ala1319Val)

Gene: IFT140 (intraflagellar transport 140; minus strand). Cytogenetic location: 16p13.3.
Variant type: single nucleotide variant.
Coding change: c.3956C>T on transcript NM_014714.4 (MANE Select); coding-DNA position 3956, C replaced by T.
Protein change: p.Ala1319Val; replaces alanine 1319 with valine.
Molecular consequence: missense variant.
Genome position (GRCh38, 1-based): chr16:1,519,965, G>A on the plus strand (C>T on the coding strand, the complement: IFT140 is on the minus strand). VCF-style: chr16-1519965-G-A. GRCh37 (hg19) VCF-style: chr16-1569966-G-A.
Other names: short protein forms A1319V.
Identifiers: ClinVar variation 1466290 (VCV001466290.7), dbSNP rs2040470204, ClinGen allele CA394224032.